The following is an entry in ClinVar:

NM_015001.3(SPEN):c.9524C>T (p.Ser3175Leu)

Gene: SPEN (spen family transcriptional repressor; plus strand). Cytogenetic location: 1p36.13.
Variant type: single nucleotide variant.
Coding change: c.9524C>T on transcript NM_015001.3 (MANE Select); coding-DNA position 9524, C replaced by T.
Protein change: p.Ser3175Leu; replaces serine 3175 with leucine.
Molecular consequence: missense variant.
Genome position (GRCh38, 1-based): chr1:15,935,764, C>T. VCF-style: chr1-15935764-C-T. GRCh37 (hg19) VCF-style: chr1-16262259-C-T.
Other names: short protein forms S3175L.
Identifiers: ClinVar variation 4530707 (VCV004530707.2).
Genomic context (GRCh38, chr1:15,935,764, plus strand): 5'-CTCCCGAGGAGGAAGTGCATTATCACCTTCCTGTCGCTCGAGCCACAGCCCCTGTGCAGT[C>T]AGAGGTACTAGTCATGCAGTCTGAGTACCGACTGCACCCCTATACTGTGCCACGGGATGT-3'
Protein context (NP_055816.2, residues 3165-3185): PVARATAPVQ[Ser3175Leu]EVLVMQSEYR

ClinVar aggregate classification (germline): Uncertain significance (1 of 4 stars; one submission).

Submission:

GeneDx
Classification: Uncertain significance. Last evaluated: 2026-07-23. Review status: criteria provided, single submitter. Criteria: GeneDx Variant Classification Process June 2021. Collection method: clinical testing. Allele origin: germline.
Comment: Not observed at significant frequency in large population cohorts (gnomAD); In silico analysis suggests that this missense variant does not alter protein structure/function; Has not been previously published as pathogenic or benign to our knowledge